The following is an entry in ClinVar:

NM_000059.4(BRCA2):c.867T>C (p.Asn289=)

Gene: BRCA2 (BRCA2 DNA repair associated; plus strand). Cytogenetic location: 13q13.1.
Variant type: single nucleotide variant.
Coding change: c.867T>C on transcript NM_000059.4 (MANE Select); coding-DNA position 867, T replaced by C.
Protein change: p.Asn289=; no amino-acid change (asparagine 289 retained).
Molecular consequence: synonymous variant.
Genome position (GRCh38, 1-based): chr13:32,332,345, T>C. VCF-style: chr13-32332345-T-C. GRCh37 (hg19) VCF-style: chr13-32906482-T-C.
Identifiers: ClinVar variation 184315 (VCV000184315.33), dbSNP rs765832839, ClinGen allele CA025777.
Genomic context (GRCh38, chr13:32,332,345, plus strand): 5'-ATCAGGGAATTCATTTAAAGTAAATAGCTGCAAAGACCACATTGGAAAGTCAATGCCAAA[T>C]GTCCTAGAAGATGAAGTATATGAAACAGTTGTAGATACCTCTGAAGAAGATAGTTTTTCA-3'
Protein context (NP_000050.3, residues 279-299): CKDHIGKSMP[Asn289=]VLEDEVYETV

ClinVar aggregate classification (germline): Likely benign. Review status: reviewed by expert panel (3 of 4 stars). 10 submissions from 10 submitters: Likely benign (1). 9 of the submissions do not count toward it. Last evaluated 2017-06-29.

Conditions:
BRCA2-related disorder. Also called: BRCA2-related condition; BRCA2-related disorders. Identifiers: MedGen CN239275.
Breast and/or ovarian cancer. Identifiers: MedGen CN221562.
Hereditary cancer-predisposing syndrome. Also called: Tumor predisposition; Neoplastic Syndromes, Hereditary; Hereditary Cancer Syndrome; Hereditary neoplastic syndrome. Identifiers: Orphanet 140162, MedGen C0027672, MeSH D009386, MONDO:0015356.
Hereditary breast ovarian cancer syndrome. Also called: Hereditary breast and ovarian cancer; Hereditary breast and ovarian cancer syndrome (HBOC); Breast and ovarian cancer; Hereditary breast and/or ovarian cancer syndrome; BRCA1- and BRCA2-Associated Hereditary Breast and Ovarian Cancer; Hereditary breast and ovarian cancer syndrome. Identifiers: Orphanet 145, MedGen C0677776, MeSH D061325, MONDO:0003582. Disease mechanism: loss of function.
Breast-ovarian cancer, familial, susceptibility to, 2 (BROVCA2). Also called: BRCA2 Hereditary Breast and Ovarian Cancer. Identifiers: Orphanet 145, MedGen C2675520, MONDO:0012933, OMIM 612555. Disease mechanism: loss of function.

Allele frequency attached by ClinVar (database versions not stated): gnomAD exomes below 0.00001; ExAC 0.00001; gnomAD 0.00001.
gnomAD v4.1: 6 of 1,598,394 alleles (0.00038%); highest among the groups gnomAD compares: Non-Finnish European, 0.00051%; no homozygotes.

Submissions (10):

Evidence-based Network for the Interpretation of Germline Mutant Alleles (ENIGMA)
Classification: Likely benign for Breast-ovarian cancer, familial, susceptibility to, 2. Last evaluated: 2017-06-29. Review status: reviewed by expert panel. Criteria: ENIGMA BRCA1/2 Classification Criteria (2017-06-29). Collection method: curation. Allele origin: germline.
Comment: Synonymous substitution variant, with low bioinformatic likelihood to result in a splicing aberration (Splicing prior probability 0.02).

Labcorp Genetics (formerly Invitae), Labcorp
Classification: Likely benign for Hereditary breast ovarian cancer syndrome. Last evaluated: 2026-01-11. Review status: criteria provided, single submitter. Criteria: Invitae Variant Classification Sherloc (09022015). Collection method: clinical testing. Allele origin: germline. Not counted in ClinVar's aggregate classification.

CeGaT Center for Human Genetics Tuebingen
Classification: Likely benign. Last evaluated: 2025-07-01. Review status: criteria provided, single submitter. Criteria: CeGaT Center For Human Genetics Tuebingen Variant Classification Criteria Version 2. Collection method: clinical testing. Allele origin: germline. Affected: yes. Observed: 1 variant allele. Not counted in ClinVar's aggregate classification.
Comment: BRCA2: BP4, BP7

All of Us Research Program, National Institutes of Health
Classification: Likely benign for Breast-ovarian cancer, familial, susceptibility to, 2. Last evaluated: 2023-10-02. Review status: criteria provided, single submitter. Criteria: ACMG Guidelines, 2015. Collection method: clinical testing. Allele origin: germline. Inheritance: Autosomal dominant inheritance. Observed: 1 variant allele, 1 heterozygote. Not counted in ClinVar's aggregate classification.
Comment: This study involves interpretation of variants in research participants for the purpose of population health screening. Participant phenotype was not available at the time of variant classification. Additional details can be found in publication PMID: 35346344, PMCID: PMC8962531

Quest Diagnostics Nichols Institute San Juan Capistrano
Classification: Likely benign. Last evaluated: 2019-06-27. Review status: criteria provided, single submitter. Criteria: Quest Diagnostics criteria. Collection method: clinical testing. Allele origin: germline. Not counted in ClinVar's aggregate classification.

Color Diagnostics, LLC DBA Color Health
Classification: Likely benign for Hereditary cancer-predisposing syndrome. Last evaluated: 2018-07-26. Review status: criteria provided, single submitter. Criteria: ACMG Guidelines, 2015. Collection method: clinical testing. Allele origin: germline. Not counted in ClinVar's aggregate classification.

GeneDx
Classification: Likely benign. Last evaluated: 2017-11-20. Review status: criteria provided, single submitter. Criteria: GeneDx Variant Classification (06012015). Collection method: clinical testing. Allele origin: germline. Affected: yes. Not counted in ClinVar's aggregate classification.
Comment: This variant is considered likely benign or benign based on one or more of the following criteria: it is a conservative change, it occurs at a poorly conserved position in the protein, it is predicted to be benign by multiple in silico algorithms, and/or has population frequency not consistent with disease.

CHEO Genetics Diagnostic Laboratory, Children's Hospital of Eastern Ontario
Classification: Likely benign for Breast and/or ovarian cancer. Last evaluated: 2016-06-20. Review status: criteria provided, single submitter. Criteria: ACMG Guidelines, 2015. Collection method: clinical testing. Allele origin: germline. Study: Canadian Open Genetics Repository. Not counted in ClinVar's aggregate classification.

Ambry Genetics
Classification: Likely benign for Hereditary cancer-predisposing syndrome. Last evaluated: 2015-06-02. Review status: criteria provided, single submitter. Criteria: Ambry Variant Classification Scheme 2023. Collection method: clinical testing. Allele origin: germline. Not counted in ClinVar's aggregate classification.

PreventionGenetics, part of Exact Sciences
Classification: Likely benign for BRCA2-related condition. Last evaluated: 2024-06-15. Review status: no assertion criteria provided. Collection method: clinical testing. Allele origin: germline. Not counted in ClinVar's aggregate classification.
Comment: This variant is classified as likely benign based on ACMG/AMP sequence variant interpretation guidelines (Richards et al. 2015 PMID: 25741868, with internal and published modifications).